The following is an entry in ClinVar:

ClinVar aggregate classification (germline): Uncertain significance. Review status: criteria provided, multiple submitters, no conflicts (2 of 4 stars). 2 submissions from 2 submitters: Uncertain significance (2). Last evaluated 2023-09-04.

Conditions:
Hereditary cancer-predisposing syndrome. Also called: Hereditary Cancer Syndrome; Neoplastic Syndromes, Hereditary; Tumor predisposition; Hereditary neoplastic syndrome. Identifiers: Orphanet 140162, MedGen C0027672, MeSH D009386, MONDO:0015356.

Submissions (2):

Labcorp Genetics (formerly Invitae), Labcorp
Classification: Uncertain significance for Hereditary cancer-predisposing syndrome. Last evaluated: 2023-09-04. Review status: criteria provided, single submitter. Criteria: Invitae Variant Classification Sherloc (09022015). Collection method: clinical testing. Allele origin: germline.
Comment: This sequence change replaces alanine, which is neutral and non-polar, with valine, which is neutral and non-polar, at codon 419 of the RAD50 protein (p.Ala419Val). This variant is not present in population databases (gnomAD no frequency). In summary, the available evidence is currently insufficient to determine the role of this variant in disease. Therefore, it has been classified as a Variant of Uncertain Significance. Advanced modeling of protein sequence and biophysical properties (such as structural, functional, and spatial information, amino acid conservation, physicochemical variation, residue mobility, and thermodynamic stability) performed at Invitae indicates that this missense variant is not expected to disrupt RAD50 protein function. ClinVar contains an entry for this variant (Variation ID: 480459). This variant has not been reported in the literature in individuals affected with RAD50-related conditions.

Ambry Genetics
Classification: Uncertain significance for Hereditary cancer-predisposing syndrome. Last evaluated: 2022-08-29. Review status: criteria provided, single submitter. Criteria: Ambry Variant Classification Scheme 2023. Collection method: clinical testing. Allele origin: germline.
Comment: The p.A419V variant (also known as c.1256C>T), located in coding exon 9 of the RAD50 gene, results from a C to T substitution at nucleotide position 1256. The alanine at codon 419 is replaced by valine, an amino acid with similar properties. This amino acid position is poorly conserved in available vertebrate species. In addition, this alteration is predicted to be tolerated by in silico analysis. Since supporting evidence is limited at this time, the clinical significance of this alteration remains unclear.

NM_005732.4(RAD50):c.1256C>T (p.Ala419Val)

Gene: RAD50 (RAD50 double strand break repair protein; plus strand). Cytogenetic location: 5q31.1.
Variant type: single nucleotide variant.
Coding change: c.1256C>T on transcript NM_005732.4 (MANE Select); coding-DNA position 1256, C replaced by T.
Protein change: p.Ala419Val; replaces alanine 419 with valine.
Molecular consequence: missense variant.
Genome position (GRCh38, 1-based): chr5:132,589,641, C>T. VCF-style: chr5-132589641-C-T. GRCh37 (hg19) VCF-style: chr5-131925333-C-T.
Other names: short protein forms A419V.
Identifiers: ClinVar variation 480459 (VCV000480459.11), dbSNP rs1554098300, ClinGen allele CA360943586.